The following is an entry in ClinVar:

ClinVar aggregate classification (germline): Uncertain significance (1 of 4 stars; one submission).

Submission:

GeneDx
Classification: Uncertain significance. Last evaluated: 2025-09-17. Review status: criteria provided, single submitter. Criteria: GeneDx Variant Classification Process June 2021. Collection method: clinical testing. Allele origin: germline.
Comment: Not observed at significant frequency in large population cohorts (gnomAD); In silico analysis supports that this missense variant has a deleterious effect on protein structure/function; Has not been previously published as pathogenic or benign to our knowledge

NM_006186.4(NR4A2):c.1723T>C (p.Tyr575His)

Gene: NR4A2 (nuclear receptor subfamily 4 group A member 2; minus strand). Cytogenetic location: 2q24.1.
Variant type: single nucleotide variant.
Coding change: c.1723T>C on transcript NM_006186.4 (MANE Select); coding-DNA position 1723, T replaced by C.
Protein change: p.Tyr575His; replaces tyrosine 575 with histidine.
Molecular consequence: missense variant.
Genome position (GRCh38, 1-based): chr2:156,325,818, A>G on the plus strand (T>C on the coding strand, the complement: NR4A2 is on the minus strand). VCF-style: chr2-156325818-A-G. GRCh37 (hg19) VCF-style: chr2-157182330-A-G.
Other names: c.1534T>C, p.Tyr512His (NM_173173.3); short protein forms Y512H, Y575H.
Identifiers: ClinVar variation 3359320 (VCV003359320.2).
Genomic context (GRCh38, chr2:156,325,818, plus strand): 5'-TGTCCAGGAAAAGTTTGTCAATTATTGCTGGCGGTGGCACCAAGTCTTCCAATTTCAGGT[A>G]GAAAATGCGCTGTAGCCCCTGTGTGCAAAGGGTACGAAGTTCTGGGAGCTTCCCCAACAG-3'
Protein context (NP_006177.1, residues 565-585): LCTQGLQRIF[Tyr575His]LKLEDLVPPP